The following is an entry in ClinVar:

ClinVar aggregate classification (germline): Uncertain significance. Review status: criteria provided, multiple submitters, no conflicts (2 of 4 stars). 4 submissions from 4 submitters: Uncertain significance (4). Last evaluated 2024-11-19.

Conditions:
Inborn genetic diseases. Identifiers: MedGen C0950123, MeSH D030342.

Allele frequency attached by ClinVar (database versions not stated): gnomAD 0.00001; gnomAD exomes 0.00001 and 0.00004; ExAC 0.00007; ESP Exome Variant Server 0.00008; 1000 Genomes Project 30x 0.00031; 1000 Genomes Project 0.00040.
gnomAD v4.1: 25 of 1,613,756 alleles (0.0015%); highest among the groups gnomAD compares: South Asian, 0.023%; no homozygotes.

Submissions (4):

Blueprint Genetics
Classification: Uncertain significance. Last evaluated: 2024-11-19. Review status: criteria provided, single submitter. Criteria: ACMG Guidelines, 2015. Collection method: clinical testing. Allele origin: germline.

Ambry Genetics
Classification: Uncertain significance for Inborn genetic diseases. Last evaluated: 2024-06-28. Review status: criteria provided, single submitter. Criteria: Ambry Variant Classification Scheme 2023. Collection method: clinical testing. Allele origin: germline.

Labcorp Genetics (formerly Invitae), Labcorp
Classification: Uncertain significance. Last evaluated: 2022-08-16. Review status: criteria provided, single submitter. Criteria: Invitae Variant Classification Sherloc (09022015). Collection method: clinical testing. Allele origin: germline.
Comment: This variant is present in population databases (rs147205911, gnomAD 0.03%). This variant has not been reported in the literature in individuals affected with IMPG2-related conditions. ClinVar contains an entry for this variant (Variation ID: 1356508). Algorithms developed to predict the effect of missense changes on protein structure and function (SIFT, PolyPhen-2, Align-GVGD) all suggest that this variant is likely to be tolerated. In summary, the available evidence is currently insufficient to determine the role of this variant in disease. Therefore, it has been classified as a Variant of Uncertain Significance. This sequence change replaces glycine, which is neutral and non-polar, with aspartic acid, which is acidic and polar, at codon 860 of the IMPG2 protein (p.Gly860Asp).

Revvity Omics, Revvity
Classification: Uncertain significance. Last evaluated: 2019-06-13. Review status: criteria provided, single submitter. Criteria: ACMG Guidelines, 2015. Collection method: clinical testing. Allele origin: germline.

NM_016247.4(IMPG2):c.2579G>A (p.Gly860Asp)

Gene: IMPG2 (interphotoreceptor matrix proteoglycan 2; minus strand). Cytogenetic location: 3q12.3.
Variant type: single nucleotide variant.
Coding change: c.2579G>A on transcript NM_016247.4 (MANE Select); coding-DNA position 2579, G replaced by A.
Protein change: p.Gly860Asp; replaces glycine 860 with aspartic acid.
Molecular consequence: missense variant.
Genome position (GRCh38, 1-based): chr3:101,243,752, C>T on the plus strand (G>A on the coding strand, the complement: IMPG2 is on the minus strand). VCF-style: chr3-101243752-C-T. GRCh37 (hg19) VCF-style: chr3-100962596-C-T.
Other names: c.2579G>A (NM_016247.3); short protein forms G860D.
Identifiers: ClinVar variation 1356508 (VCV001356508.9), dbSNP rs147205911, ClinGen allele CA2518949.